The following is an entry in ClinVar:

NM_015386.3(COG4):c.863A>G (p.Glu288Gly)

Gene: COG4 (component of oligomeric golgi complex 4; minus strand). Cytogenetic location: 16q22.1.
Variant type: single nucleotide variant.
Coding change: c.863A>G on transcript NM_015386.3 (MANE Select); coding-DNA position 863, A replaced by G.
Protein change: p.Glu288Gly; replaces glutamic acid 288 with glycine.
Molecular consequence: missense variant. On other transcripts: non-coding transcript variant (1).
Genome position (GRCh38, 1-based): chr16:70,509,370, T>C on the plus strand (A>G on the coding strand, the complement: COG4 is on the minus strand). VCF-style: chr16-70509370-T-C. GRCh37 (hg19) VCF-style: chr16-70543273-T-C.
Other names: c.851A>G, p.Glu284Gly (NM_001195139.2); c.437A>G, p.Glu146Gly (NM_001365426.1); short protein forms E284G, E288G, E146G.
Identifiers: ClinVar variation 1525324 (VCV001525324.6), dbSNP rs2049650498, ClinGen allele CA396576102.
Genomic context (GRCh38, chr16:70,509,370, plus strand): 5'-TTGATCAGGGTATAGAGTCTCCCTGGCCCATAATAGGTCTCCACTATTGGCTGGTGGGTC[T>C]CCACAATGCGGGCAATCCCTAGAAGGGAGGAAGCAATAGGGTTATATTCCAAGTATTCTT-3'
Protein context (NP_056201.2, residues 278-298): LLFEGIARIV[Glu288Gly]THQPIVETYY

ClinVar aggregate classification (germline): Uncertain significance (1 of 4 stars; one submission).

Conditions:
COG4-congenital disorder of glycosylation. Also called: CONGENITAL DISORDER OF GLYCOSYLATION, TYPE IIj; CDG IIj; COG4-CDG. Identifiers: Orphanet 263501, MedGen C4303552, MONDO:0013281, OMIM 613489.

Submission:

Labcorp Genetics (formerly Invitae), Labcorp
Classification: Uncertain significance for COG4-congenital disorder of glycosylation. Last evaluated: 2022-09-01. Review status: criteria provided, single submitter. Criteria: Invitae Variant Classification Sherloc (09022015). Collection method: clinical testing. Allele origin: germline.
Comment: In summary, the available evidence is currently insufficient to determine the role of this variant in disease. Therefore, it has been classified as a Variant of Uncertain Significance. Algorithms developed to predict the effect of missense changes on protein structure and function are either unavailable or do not agree on the potential impact of this missense change (SIFT: "Tolerated"; PolyPhen-2: "Possibly Damaging"; Align-GVGD: "Class C15"). ClinVar contains an entry for this variant (Variation ID: 1525324). This variant has not been reported in the literature in individuals affected with COG4-related conditions. This variant is not present in population databases (gnomAD no frequency). This sequence change replaces glutamic acid, which is acidic and polar, with glycine, which is neutral and non-polar, at codon 288 of the COG4 protein (p.Glu288Gly).